The following is an entry in ClinVar:

ClinVar aggregate classification (germline): Uncertain significance (1 of 4 stars; one submission).

Conditions:
Perlman syndrome (PRLMNS). Identifiers: Orphanet 2849, MedGen C0796113, MONDO:0009965, OMIM 267000.

Allele frequency attached by ClinVar (database versions not stated): gnomAD exomes below 0.00001.
gnomAD v4.1: 1 of 1,614,192 alleles (0.000062%); highest among the groups gnomAD compares: Non-Finnish European, 0.000085%; no homozygotes.

Submission:

Labcorp Genetics (formerly Invitae), Labcorp
Classification: Uncertain significance for Perlman syndrome. Last evaluated: 2021-09-18. Review status: criteria provided, single submitter. Criteria: Invitae Variant Classification Sherloc (09022015). Collection method: clinical testing. Allele origin: germline.
Comment: In summary, the available evidence is currently insufficient to determine the role of this variant in disease. Therefore, it has been classified as a Variant of Uncertain Significance. Algorithms developed to predict the effect of missense changes on protein structure and function are either unavailable or do not agree on the potential impact of this missense change (SIFT: "Tolerated"; PolyPhen-2: "Probably Damaging"; Align-GVGD: "Class C0"). This variant has not been reported in the literature in individuals affected with DIS3L2-related conditions. This variant is not present in population databases (ExAC no frequency). This sequence change replaces glutamic acid with lysine at codon 479 of the DIS3L2 protein (p.Glu479Lys). The glutamic acid residue is moderately conserved and there is a small physicochemical difference between glutamic acid and lysine.

NM_152383.5(DIS3L2):c.1435G>A (p.Glu479Lys)

Gene: DIS3L2 (DIS3 like 3'-5' exoribonuclease 2; plus strand). Cytogenetic location: 2q37.1.
Variant type: single nucleotide variant.
Coding change: c.1435G>A on transcript NM_152383.5 (MANE Select); coding-DNA position 1435, G replaced by A.
Protein change: p.Glu479Lys; replaces glutamic acid 479 with lysine.
Molecular consequence: missense variant. On other transcripts: non-coding transcript variant (2).
Genome position (GRCh38, 1-based): chr2:232,263,216, G>A. VCF-style: chr2-232263216-G-A. GRCh37 (hg19) VCF-style: chr2-233127926-G-A.
Other names: c.1435G>A, p.Glu479Lys (NM_001257281.2); short protein forms E479K.
Identifiers: ClinVar variation 1390938 (VCV001390938.6), dbSNP rs2106280935, ClinGen allele CA350975131.
Genomic context (GRCh38, chr2:232,263,216, plus strand): 5'-CTGAAAAACATTTGTCCTCACAATTCCCTTGTAATCTGTCCATCTTTGCAGATCCTTGAT[G>A]AATGGTTTGGCCGGACCATCATCCGCTCCTGCACCAAACTTAGCTACGAGCATGCACAGA-3'
Protein context (NP_689596.4, residues 469-489): TLTPEGKILD[Glu479Lys]WFGRTIIRSC